The following is an entry in ClinVar:

NM_000059.4(BRCA2):c.5098G>A (p.Gly1700Ser)

Gene: BRCA2 (BRCA2 DNA repair associated; plus strand). Cytogenetic location: 13q13.1.
Variant type: single nucleotide variant.
Coding change: c.5098G>A on transcript NM_000059.4 (MANE Select); coding-DNA position 5098, G replaced by A.
Protein change: p.Gly1700Ser; replaces glycine 1700 with serine.
Molecular consequence: missense variant.
Genome position (GRCh38, 1-based): chr13:32,339,453, G>A. VCF-style: chr13-32339453-G-A. GRCh37 (hg19) VCF-style: chr13-32913590-G-A.
Other names: short protein forms G1700S.
Identifiers: ClinVar variation 51766 (VCV000051766.26), dbSNP rs80358733, ClinGen allele CA021242.

ClinVar aggregate classification (germline): Conflicting classifications of pathogenicity. Review status: criteria provided, conflicting classifications (1 of 4 stars). 8 submissions from 8 submitters: Uncertain significance (6); Likely benign (1). 1 of the submissions does not count toward it. Last evaluated 2025-11-17.

Conditions:
Hereditary breast ovarian cancer syndrome. Also called: Hereditary breast and ovarian cancer syndrome; Hereditary breast and ovarian cancer; Hereditary breast and ovarian cancer syndrome (HBOC); Breast and ovarian cancer; Hereditary breast and/or ovarian cancer syndrome; BRCA1- and BRCA2-Associated Hereditary Breast and Ovarian Cancer. Identifiers: Orphanet 145, MedGen C0677776, MeSH D061325, MONDO:0003582. Disease mechanism: loss of function.
Breast-ovarian cancer, familial, susceptibility to, 2 (BROVCA2). Also called: BRCA2 Hereditary Breast and Ovarian Cancer. Identifiers: Orphanet 145, MedGen C2675520, MONDO:0012933, OMIM 612555. Disease mechanism: loss of function.
Hereditary cancer-predisposing syndrome. Also called: Neoplastic Syndromes, Hereditary; Tumor predisposition; Hereditary neoplastic syndrome; Hereditary Cancer Syndrome. Identifiers: Orphanet 140162, MedGen C0027672, MeSH D009386, MONDO:0015356.

Allele frequency attached by ClinVar (database versions not stated): gnomAD exomes below 0.00001.

Submissions (8):

Labcorp Genetics (formerly Invitae), Labcorp
Classification: Uncertain significance for Hereditary breast ovarian cancer syndrome. Last evaluated: 2025-11-17. Review status: criteria provided, single submitter. Criteria: Invitae Variant Classification Sherloc (09022015). Collection method: clinical testing. Allele origin: germline.
Comment: This sequence change replaces glycine, which is neutral and non-polar, with serine, which is neutral and polar, at codon 1700 of the BRCA2 protein (p.Gly1700Ser). This variant is not present in population databases (gnomAD no frequency). This variant has not been reported in the literature in individuals affected with BRCA2-related conditions. ClinVar contains an entry for this variant (Variation ID: 51766). Invitae Evidence Modeling of protein sequence and biophysical properties (such as structural, functional, and spatial information, amino acid conservation, physicochemical variation, residue mobility, and thermodynamic stability) indicates that this missense variant is not expected to disrupt BRCA2 protein function with a negative predictive value of 95%. In summary, the available evidence is currently insufficient to determine the role of this variant in disease. Therefore, it has been classified as a Variant of Uncertain Significance.

Color Diagnostics, LLC DBA Color Health
Classification: Uncertain significance for Hereditary cancer-predisposing syndrome. Last evaluated: 2025-06-03. Review status: criteria provided, single submitter. Criteria: ACMG Guidelines, 2015. Collection method: clinical testing. Allele origin: germline.
Comment: This missense variant replaces glycine with serine at codon 1700 of the BRCA2 protein. Computational prediction suggests that this variant may not impact protein structure and function. To our knowledge, functional studies have not been reported for this variant. This variant has been reported in a multifactorial analysis with co-occurrence and family history likelihood ratios for pathogenicity of 1.076 and 0.922, respectively (PMID: 31131967). This variant has not been identified in the general population by the Genome Aggregation Database (gnomAD). The available evidence is insufficient to determine the role of this variant in disease conclusively. Therefore, this variant is classified as a Variant of Uncertain Significance.

Ambry Genetics
Classification: Uncertain significance for Hereditary cancer-predisposing syndrome. Last evaluated: 2025-03-12. Review status: criteria provided, single submitter. Criteria: Ambry Variant Classification Scheme 2023. Collection method: clinical testing. Allele origin: germline.
Comment: The p.G1700S variant (also known as c.5098G>A), located in coding exon 10 of the BRCA2 gene, results from a G to A substitution at nucleotide position 5098. The glycine at codon 1700 is replaced by serine, an amino acid with similar properties. This amino acid position is poorly conserved in available vertebrate species. In addition, this alteration is predicted to be tolerated by in silico analysis. Since supporting evidence is limited at this time, the clinical significance of this alteration remains unclear.

All of Us Research Program, National Institutes of Health
Classification: Uncertain significance for Breast-ovarian cancer, familial, susceptibility to, 2. Last evaluated: 2023-06-26. Review status: criteria provided, single submitter. Criteria: ACMG Guidelines, 2015. Collection method: clinical testing. Allele origin: germline. Inheritance: Autosomal dominant inheritance. Observed: 1 variant allele, 1 heterozygote.
Comment: This missense variant replaces glycine with serine at codon 1700 of the BRCA2 protein. Computational prediction suggests that this variant may not impact protein structure and function (internally defined REVEL score threshold <= 0.5, PMID: 27666373). To our knowledge, functional studies have not been reported for this variant. This variant has been reported in a multifactorial analysis with co-occurrence and family history likelihood ratios for pathogenicity of 1.076 and 0.922, respectively (PMID: 31131967). This variant has not been identified in the general population by the Genome Aggregation Database (gnomAD). The available evidence is insufficient to determine the role of this variant in disease conclusively. Therefore, this variant is classified as a Variant of Uncertain Significance.

This study involves interpretation of variants in research participants for the purpose of population health screening. Participant phenotype was not available at the time of variant classification. Additional details can be found in publication PMID: 35346344, PMCID: PMC8962531

University of Washington Department of Laboratory Medicine, University of Washington
Classification: Likely benign for Hereditary cancer-predisposing syndrome. Last evaluated: 2023-03-23. Review status: criteria provided, single submitter. Criteria: Dines et al. (Genet Med. 2020). Collection method: curation. Allele origin: germline.
Comment: Missense variant in a coldspot region where missense variants are very unlikely to be pathogenic (PMID:31911673).

BRCA2 exon 11 coldspot. Reclassification based on statistical prior probability.

GeneDx
Classification: Uncertain significance. Last evaluated: 2022-02-21. Review status: criteria provided, single submitter. Criteria: GeneDx Variant Classification Process June 2021. Collection method: clinical testing. Allele origin: germline. Affected: yes.
Comment: Identified in at least one individual undergoing hereditary cancer testing (Szabo et al., 2000); Not observed at significant frequency in large population cohorts (gnomAD); In silico analysis supports that this missense variant does not alter protein structure/function; Also known as 5326G>A; This variant is associated with the following publications: (PMID: 31131967, 10923033)

Women's Health and Genetics/Laboratory Corporation of America, LabCorp
Classification: Uncertain significance. Last evaluated: 2021-10-02. Review status: criteria provided, single submitter. Criteria: LabCorp Variant Classification Summary - May 2015. Collection method: clinical testing. Allele origin: germline.

Breast Cancer Information Core (BIC) (BRCA2)
Classification: Uncertain significance for Breast-ovarian cancer, familial 2. Last evaluated: 2004-02-20. Review status: no assertion criteria provided. Collection method: clinical testing. Allele origin: germline. Affected: yes. Observed: 1 variant allele. Not counted in ClinVar's aggregate classification.

Literature cited by the submitters: PubMed 31131967 (cited by Color Diagnostics, LLC DBA Color Health and All of Us Research Program, National Institutes of Health).